The following is an entry in ClinVar:

NM_001458.5(FLNC):c.7610C>A (p.Ala2537Asp)

Genes: FLNC (filamin C; plus strand), FLNC-AS1 (FLNC antisense RNA 1; minus strand). Cytogenetic location: 7q32.1.
Variant type: single nucleotide variant.
Coding change: c.7610C>A on transcript NM_001458.5 (MANE Select); coding-DNA position 7610, C replaced by A.
Protein change: p.Ala2537Asp; replaces alanine 2537 with aspartic acid.
Molecular consequence: missense variant.
Genome position (GRCh38, 1-based): chr7:128,857,166, C>A. VCF-style: chr7-128857166-C-A. GRCh37 (hg19) VCF-style: chr7-128497220-C-A.
Other names: c.7511C>A, p.Ala2504Asp (NM_001127487.2); short protein forms A2537D, A2504D.
Identifiers: ClinVar variation 472178 (VCV000472178.11), dbSNP rs1394723230, ClinGen allele CA369219351.

ClinVar aggregate classification (germline): Uncertain significance. Review status: criteria provided, multiple submitters, no conflicts (2 of 4 stars). 4 submissions from 4 submitters: Uncertain significance (4). Last evaluated 2024-01-29.

Conditions:
Distal myopathy with posterior leg and anterior hand involvement. Also called: WILLIAMS DISTAL MYOPATHY. Identifiers: Orphanet 63273, MedGen C3279722, MONDO:0013550, OMIM 614065.
Myofibrillar myopathy 5. Also called: Filaminopathy (type); FILAMINOPATHY, AUTOSOMAL DOMINANT. Identifiers: Orphanet 171445, MedGen C1836050, MONDO:0012289, OMIM 609524.
Hypertrophic cardiomyopathy 26. Also called: Cardiomyopathy, familial hypertrophic, 26. Identifiers: Orphanet 75249, MedGen C4310749, MONDO:0014883, OMIM 617047.
Cardiovascular phenotype. Identifiers: MedGen CN230736.

gnomAD v4.1: 1 of 1,614,068 alleles (0.000062%); highest among the groups gnomAD compares: Non-Finnish European, 0.000085%; no homozygotes.

Submissions (4):

Ambry Genetics
Classification: Uncertain significance for Cardiovascular phenotype. Last evaluated: 2024-01-29. Review status: criteria provided, single submitter. Criteria: Ambry Variant Classification Scheme 2023. Collection method: clinical testing. Allele origin: germline.
Comment: The p.A2537D variant (also known as c.7610C>A), located in coding exon 46 of the FLNC gene, results from a C to A substitution at nucleotide position 7610. The alanine at codon 2537 is replaced by aspartic acid, an amino acid with dissimilar properties. This amino acid position is conserved. In addition, the in silico prediction for this alteration is inconclusive. Based on the available evidence, the clinical significance of this alteration remains unclear.

GeneDx
Classification: Uncertain significance. Last evaluated: 2022-07-22. Review status: criteria provided, single submitter. Criteria: GeneDx Variant Classification Process June 2021. Collection method: clinical testing. Allele origin: germline. Affected: yes.
Comment: Not observed at significant frequency in large population cohorts (gnomAD); In silico analysis supports that this missense variant has a deleterious effect on protein structure/function; Has not been previously published as pathogenic or benign to our knowledge

Clinical Genetics Laboratory, Skane University Hospital Lund
Classification: Uncertain significance. Last evaluated: 2022-05-27. Review status: criteria provided, single submitter. Criteria: ACMG Guidelines, 2015. Collection method: clinical testing. Allele origin: germline. Affected: yes.

Labcorp Genetics (formerly Invitae), Labcorp
Classification: Uncertain significance for Distal myopathy with posterior leg and anterior hand involvement; Myofibrillar myopathy 5; Hypertrophic cardiomyopathy 26. Last evaluated: 2017-01-03. Review status: criteria provided, single submitter. Criteria: Invitae Variant Classification Sherloc (09022015). Collection method: clinical testing. Allele origin: germline.
Comment: In summary, this variant is a novel missense change with uncertain impact on protein function. It has been classified as a Variant of Uncertain Significance. Algorithms developed to predict the effect of missense changes on protein structure and function do not agree on the potential impact of this missense change (SIFT: "Tolerated"; PolyPhen-2: "Possibly Damaging"; Align-GVGD: "Class C0"). This variant is not present in population databases (ExAC no frequency) and has not been reported in the literature in individuals with a FLNC-related disease. This sequence change replaces alanine with aspartic acid at codon 2537 of the FLNC protein (p.Ala2537Asp). The alanine residue is moderately conserved and there is a moderate physicochemical difference between alanine and aspartic acid.